The following is an entry in ClinVar:

NM_001166108.2(PALLD):c.479G>A (p.Arg160Lys)

Gene: PALLD (palladin, cytoskeletal associated protein; plus strand). Cytogenetic location: 4q32.3.
Variant type: single nucleotide variant.
Coding change: c.479G>A on transcript NM_001166108.2 (MANE Select); coding-DNA position 479, G replaced by A.
Protein change: p.Arg160Lys; replaces arginine 160 with lysine.
Molecular consequence: missense variant.
Genome position (GRCh38, 1-based): chr4:168,511,983, G>A. VCF-style: chr4-168511983-G-A. GRCh37 (hg19) VCF-style: chr4-169433134-G-A.
Other names: c.479G>A, p.Arg160Lys (NM_016081.4); short protein forms R160K.
Identifiers: ClinVar variation 2563398 (VCV002563398.2), dbSNP rs779518688, ClinGen allele CA3135378.

ClinVar aggregate classification (germline): Uncertain significance (1 of 4 stars; one submission).

Allele frequency attached by ClinVar (database versions not stated): gnomAD exomes below 0.00001; ExAC 0.00001.
gnomAD v4.1: 5 of 1,614,220 alleles (0.00031%); highest among the groups gnomAD compares: Non-Finnish European, 0.00042%; no homozygotes.

Submission:

Ambry Genetics
Classification: Uncertain significance. Last evaluated: 2023-04-19. Review status: criteria provided, single submitter. Criteria: Ambry Variant Classification Scheme 2023. Collection method: clinical testing. Allele origin: germline.
Comment: The p.R160K variant (also known as c.479G>A), located in coding exon 1 of the PALLD gene, results from a G to A substitution at nucleotide position 479. The arginine at codon 160 is replaced by lysine, an amino acid with highly similar properties. This amino acid position is conserved. In addition, this alteration is predicted to be tolerated by in silico analysis. Since supporting evidence is limited at this time, the clinical significance of this alteration remains unclear.